The following is an entry in ClinVar:

ClinVar aggregate classification (germline): Uncertain significance (1 of 4 stars; one submission).

gnomAD v4.1: 2 of 1,596,954 alleles (0.00013%); highest among the groups gnomAD compares: Non-Finnish European, 0.00017%; no homozygotes.

Submission:

Labcorp Genetics (formerly Invitae), Labcorp
Classification: Uncertain significance. Last evaluated: 2023-10-13. Review status: criteria provided, single submitter. Criteria: Invitae Variant Classification Sherloc (09022015). Collection method: clinical testing. Allele origin: germline.
Comment: This sequence change affects codon 1886 of the SZT2 mRNA. It is a 'silent' change, meaning that it does not change the encoded amino acid sequence of the SZT2 protein. This variant is not present in population databases (gnomAD no frequency). This variant has not been reported in the literature in individuals affected with SZT2-related conditions. Algorithms developed to predict the effect of sequence changes on RNA splicing suggest that this variant may create or strengthen a splice site. In summary, the available evidence is currently insufficient to determine the role of this variant in disease. Therefore, it has been classified as a Variant of Uncertain Significance.

NM_001365999.1(SZT2):c.5829G>A (p.Gly1943=)

Gene: SZT2 (SZT2 subunit of KICSTOR complex; plus strand). Cytogenetic location: 1p34.2.
Variant type: single nucleotide variant.
Coding change: c.5829G>A on transcript NM_001365999.1 (MANE Select); coding-DNA position 5829, G replaced by A.
Protein change: p.Gly1943=; no amino-acid change (glycine 1943 retained).
Molecular consequence: synonymous variant.
Genome position (GRCh38, 1-based): chr1:43,434,410, G>A. VCF-style: chr1-43434410-G-A. GRCh37 (hg19) VCF-style: chr1-43900081-G-A.
Other names: c.5658G>A, p.Gly1886= (NM_015284.4).
Identifiers: ClinVar variation 2785634 (VCV002785634.3), dbSNP rs143953688, ClinGen allele CA417436892.
Genomic context (GRCh38, chr1:43,434,410, plus strand): 5'-CACTGCAGTTCTGGTCAGATTATCCTTCCTTCCCAGGAGCCTGATTCGGGAGGATGGGGG[G>A]CCGGGCACTGAGTGTCGCCACCTGCAGCAGCTCCTGGTGAGGCGAGTTGGGGAGATCTGC-3'
Protein context (NP_001352928.1, residues 1933-1953): HARSLIREDG[Gly1943=]PGTECRHLQQ